The following is an entry in ClinVar:

NM_000814.6(GABRB3):c.682+20A>G

Gene: GABRB3 (gamma-aminobutyric acid type A receptor subunit beta3; minus strand). Cytogenetic location: 15q12.
Variant type: single nucleotide variant.
Coding change: c.682+20A>G on transcript NM_000814.6 (MANE Select); 20 bases into the intron after coding-DNA position 682, A replaced by G.
Molecular consequence: intron variant.
Genome position (GRCh38, 1-based): chr15:26,580,299, T>C on the plus strand (A>G on the coding strand, the complement: GABRB3 is on the minus strand). VCF-style: chr15-26580299-T-C. GRCh37 (hg19) VCF-style: chr15-26825446-T-C.
Other names: c.682+20A>G (NM_021912.5); c.427+20A>G (NM_001278631.2, NM_001191320.2); c.469+20A>G (NM_001191321.3).
Identifiers: ClinVar variation 382825 (VCV000382825.12), dbSNP rs75015217, ClinGen allele CA7437385.

ClinVar aggregate classification (germline): Benign/Likely benign. Review status: criteria provided, multiple submitters, no conflicts (2 of 4 stars). 5 submissions from 5 submitters: Benign (3); Likely benign (2). Last evaluated 2026-02-02.

Conditions:
Epilepsy, childhood absence, susceptibility to, 5. Identifiers: Orphanet 64280, MedGen C2677087, MONDO:0012843, OMIM 612269.
Epilepsy, childhood absence, susceptibility to, 1. Also called: Epilepsy, childhood absence 1. Identifiers: Orphanet 64280, MedGen C1838604, MONDO:0020759, OMIM 600131.

Allele frequency attached by ClinVar (database versions not stated): 1000 Genomes Project 0.00140; 1000 Genomes Project 30x 0.00156; ExAC 0.00162; gnomAD exomes 0.00169; TOPMed 0.00178; gnomAD 0.00182 and 0.00189; ESP Exome Variant Server 0.00261.
gnomAD v4.1: 3,831 of 1,614,074 alleles (0.24%); highest among the groups gnomAD compares: Non-Finnish European, 0.3%; 3 homozygotes.

Submissions (5):

Labcorp Genetics (formerly Invitae), Labcorp
Classification: Benign for Epilepsy, childhood absence, susceptibility to, 5; Epilepsy, childhood absence, susceptibility to, 1. Last evaluated: 2026-02-02. Review status: criteria provided, single submitter. Criteria: Invitae Variant Classification Sherloc (09022015). Collection method: clinical testing. Allele origin: germline.

Blueprint Genetics
Classification: Likely benign. Last evaluated: 2024-11-11. Review status: criteria provided, single submitter. Criteria: ACMG Guidelines, 2015. Collection method: clinical testing. Allele origin: germline.

ARUP Laboratories, Molecular Genetics and Genomics, ARUP Laboratories
Classification: Benign. Last evaluated: 2023-10-17. Review status: criteria provided, single submitter. Criteria: ARUP Molecular Germline Variant Investigation Process 2024. Collection method: clinical testing. Allele origin: germline.

Center for Pediatric Genomic Medicine, Children's Mercy Hospital and Clinics
Classification: Likely benign. Last evaluated: 2017-06-01. Review status: criteria provided, single submitter. Criteria: ACMG Guidelines, 2015. Collection method: clinical testing. Allele origin: germline.

GeneDx
Classification: Benign. Last evaluated: 2016-01-26. Review status: criteria provided, single submitter. Criteria: GeneDx Variant Classification (06012015). Collection method: clinical testing. Allele origin: germline. Affected: yes.
Comment: This variant is considered likely benign or benign based on one or more of the following criteria: it is a conservative change, it occurs at a poorly conserved position in the protein, it is predicted to be benign by multiple in silico algorithms, and/or has population frequency not consistent with disease.